The following is an entry in ClinVar:

ClinVar aggregate classification (germline): Benign. Review status: criteria provided, single submitter (1 of 4 stars). 2 submissions from 2 submitters: Benign (1). 1 of the submissions does not count toward it. Last evaluated 2025-12-17.

Conditions:
PCGF2-related disorder. Also called: PCGF2-related condition.

Allele frequency attached by ClinVar (database versions not stated): gnomAD exomes 0.00016 and 0.00036; ExAC 0.00037; 1000 Genomes Project 30x 0.00078; 1000 Genomes Project 0.00100; gnomAD 0.00119 and 0.00131; TOPMed 0.00148; ESP Exome Variant Server 0.00192.
gnomAD v4.1: 418 of 1,613,276 alleles (0.026%); highest among the groups gnomAD compares: African/African-American, 0.39%; no homozygotes.

Submissions (2):

Labcorp Genetics (formerly Invitae), Labcorp
Classification: Benign. Last evaluated: 2025-12-17. Review status: criteria provided, single submitter. Criteria: Invitae Variant Classification Sherloc (09022015). Collection method: clinical testing. Allele origin: germline.

PreventionGenetics, part of Exact Sciences
Classification: Likely benign for PCGF2-related condition. Last evaluated: 2019-05-23. Review status: no assertion criteria provided. Collection method: clinical testing. Allele origin: germline. Not counted in ClinVar's aggregate classification.
Comment: This variant is classified as likely benign based on ACMG/AMP sequence variant interpretation guidelines (Richards et al. 2015 PMID: 25741868, with internal and published modifications).

NM_007144.3(PCGF2):c.324C>T (p.Asn108=)

Gene: PCGF2 (polycomb group ring finger 2; minus strand). Cytogenetic location: 17q12.
Variant type: single nucleotide variant.
Coding change: c.324C>T on transcript NM_007144.3 (MANE Select); coding-DNA position 324, C replaced by T.
Protein change: p.Asn108=; no amino-acid change (asparagine 108 retained).
Molecular consequence: synonymous variant.
Genome position (GRCh38, 1-based): chr17:38,738,854, G>A on the plus strand (C>T on the coding strand, the complement: PCGF2 is on the minus strand). VCF-style: chr17-38738854-G-A. GRCh37 (hg19) VCF-style: chr17-36895107-G-A.
Other names: c.324C>T (NM_007144.2); c.324C>T, p.Asn108= (NM_001369614.1, NM_001369615.1).
Identifiers: ClinVar variation 1602802 (VCV001602802.10), dbSNP rs2230090, ClinGen allele CA8525028.